The following is an entry in ClinVar:

ClinVar aggregate classification (germline): Likely pathogenic (1 of 4 stars; one submission).

Conditions:
Congenital adrenal hyperplasia. Identifiers: Orphanet 418, MedGen C0001627, MONDO:0018479, HP:0008258.

Allele frequency attached by ClinVar (database versions not stated): gnomAD exomes below 0.00001.
gnomAD v4.1: 1 of 1,607,676 alleles (0.000062%); highest among the groups gnomAD compares: Non-Finnish European, 0.000085%; no homozygotes.

Submission:

Women's Health and Genetics/Laboratory Corporation of America, LabCorp
Classification: Likely pathogenic for Congenital Adrenal Hyperplasia. Last evaluated: 2011-08-18. Review status: criteria provided, single submitter. Criteria: LabCorp Variant Classification Summary - May 2015. Collection method: curation, clinical testing. Allele origin: germline. Inheritance: autosomal unknown. Affected: yes.
ClinVar note: Converted during submission from likely pathogenic to Likely pathogenic.

NM_000497.4(CYP11B1):c.799+2T>C

Genes: CYP11B1 (cytochrome P450 family 11 subfamily B member 1; minus strand), LOC106799833 (CYP11B1 recombination region; plus strand). Cytogenetic location: 8q24.3.
Variant type: single nucleotide variant.
Coding change: c.799+2T>C on transcript NM_000497.4 (MANE Select); the canonical splice donor site of the intron after coding-DNA position 799, T replaced by C.
Molecular consequence: splice donor variant.
Genome position (GRCh38, 1-based): chr8:142,876,680, A>G on the plus strand (T>C on the coding strand, the complement: CYP11B1 is on the minus strand). VCF-style: chr8-142876680-A-G. GRCh37 (hg19) VCF-style: chr8-143958096-A-G.
Other names: c.799+2T>C (NM_001026213.1).
Identifiers: ClinVar variation 35990 (VCV000035990.3), dbSNP rs193922541, ClinGen allele CA213670.